The following is an entry in ClinVar:

ClinVar aggregate classification (germline): Uncertain significance. Review status: criteria provided, multiple submitters, no conflicts (2 of 4 stars). 2 submissions from 2 submitters: Uncertain significance (2). Last evaluated 2025-06-22.

Conditions:
Sotos syndrome (SOTOS). Also called: Distinctive facial appearance, overgrowth in childhood, and learning disabilities or delayed development; SOTOS SYNDROME 1; CHROMOSOME 5q35 DELETION SYNDROME; CEREBRAL GIGANTISM; Sotos' syndrome. Identifiers: Orphanet 821, MedGen C0175695, MONDO:0019349, OMIM 117550.

Submissions (2):

Labcorp Genetics (formerly Invitae), Labcorp
Classification: Uncertain significance. Last evaluated: 2025-06-22. Review status: criteria provided, single submitter. Criteria: Invitae Variant Classification Sherloc (09022015). Collection method: clinical testing. Allele origin: germline.
Comment: This sequence change replaces valine, which is neutral and non-polar, with methionine, which is neutral and non-polar, at codon 244 of the NSD1 protein (p.Val244Met). This variant is not present in population databases (gnomAD no frequency). This variant has not been reported in the literature in individuals affected with NSD1-related conditions. ClinVar contains an entry for this variant (Variation ID: 3591967). Invitae Evidence Modeling of protein sequence and biophysical properties (such as structural, functional, and spatial information, amino acid conservation, physicochemical variation, residue mobility, and thermodynamic stability) indicates that this missense variant is not expected to disrupt NSD1 protein function with a negative predictive value of 95%. In summary, the available evidence is currently insufficient to determine the role of this variant in disease. Therefore, it has been classified as a Variant of Uncertain Significance.

Fulgent Genetics
Classification: Uncertain significance for Sotos syndrome. Last evaluated: 2024-05-27. Review status: criteria provided, single submitter. Criteria: ACMG Guidelines, 2015. Collection method: clinical testing. Allele origin: germline.

NM_022455.5(NSD1):c.730G>A (p.Val244Met)

Gene: NSD1 (nuclear receptor binding SET domain protein 1; plus strand). Cytogenetic location: 5q35.3.
Variant type: single nucleotide variant.
Coding change: c.730G>A on transcript NM_022455.5 (MANE Select); coding-DNA position 730, G replaced by A.
Protein change: p.Val244Met; replaces valine 244 with methionine.
Molecular consequence: missense variant. On other transcripts: intron variant (8).
Genome position (GRCh38, 1-based): chr5:177,135,833, G>A. VCF-style: chr5-177135833-G-A. GRCh37 (hg19) VCF-style: chr5-176562834-G-A.
Other names: c.730G>A, p.Val244Met (NM_001409301.1, NM_001409302.1, NM_001409303.1); c.418-108G>A (NM_001409304.1); c.-36-108G>A (NM_001409305.1, NM_001409306.1, NM_001409308.1 and 4 more transcripts); short protein forms V244M.
Identifiers: ClinVar variation 3591967 (VCV003591967.2).